The following is an entry in ClinVar:

ClinVar aggregate classification (germline): Uncertain significance. Review status: criteria provided, multiple submitters, no conflicts (2 of 4 stars). 2 submissions from 2 submitters: Uncertain significance (2). Last evaluated 2019-12-29.

Conditions:
Hereditary cancer-predisposing syndrome. Also called: Hereditary Cancer Syndrome; Neoplastic Syndromes, Hereditary; Hereditary neoplastic syndrome; Tumor predisposition. Identifiers: Orphanet 140162, MedGen C0027672, MeSH D009386, MONDO:0015356.
Familial cancer of breast. Also called: Hereditary breast cancer; hereditary breast carcinoma; BREAST CANCER, FAMILIAL. Identifiers: Orphanet 227535, MedGen C0346153, MONDO:0016419, OMIM 114480. Disease mechanism: loss of function.
Fanconi anemia complementation group J. Also called: BRIP1-Related Fanconi Anemia. Identifiers: Orphanet 84, MedGen C1836860, MONDO:0012187, OMIM 609054.

Submissions (2):

Labcorp Genetics (formerly Invitae), Labcorp
Classification: Uncertain significance for Familial cancer of breast; Fanconi anemia complementation group J. Last evaluated: 2019-12-29. Review status: criteria provided, single submitter. Criteria: Invitae Variant Classification Sherloc (09022015). Collection method: clinical testing. Allele origin: germline.
Comment: This variant has not been reported in the literature in individuals with BRIP1-related conditions. This variant is not present in population databases (ExAC no frequency). This sequence change replaces serine with phenylalanine at codon 6 of the BRIP1 protein (p.Ser6Phe). The serine residue is moderately conserved and there is a large physicochemical difference between serine and phenylalanine. Algorithms developed to predict the effect of missense changes on protein structure and function are either unavailable or do not agree on the potential impact of this missense change (SIFT: "Tolerated"; PolyPhen-2: "Possibly Damaging"; Align-GVGD: "Class C0"). In summary, the available evidence is currently insufficient to determine the role of this variant in disease. Therefore, it has been classified as a Variant of Uncertain Significance.

Ambry Genetics
Classification: Uncertain significance for Hereditary cancer-predisposing syndrome. Last evaluated: 2018-09-07. Review status: criteria provided, single submitter. Criteria: Ambry Variant Classification Scheme 2023. Collection method: clinical testing. Allele origin: germline.
Comment: The p.S6F variant (also known as c.17C>T), located in coding exon 1 of the BRIP1 gene, results from a C to T substitution at nucleotide position 17. The serine at codon 6 is replaced by phenylalanine, an amino acid with highly dissimilar properties. This amino acid position is well conserved in available vertebrate species. In addition, this alteration is predicted to be tolerated by in silico analysis. Since supporting evidence is limited at this time, the clinical significance of this alteration remains unclear.

NM_032043.3(BRIP1):c.17C>T (p.Ser6Phe)

Gene: BRIP1 (BRCA1 interacting DNA helicase 1; minus strand). Cytogenetic location: 17q23.2.
Variant type: single nucleotide variant.
Coding change: c.17C>T on transcript NM_032043.3 (MANE Select); coding-DNA position 17, C replaced by T.
Protein change: p.Ser6Phe; replaces serine 6 with phenylalanine.
Molecular consequence: missense variant.
Genome position (GRCh38, 1-based): chr17:61,861,523, G>A on the plus strand (C>T on the coding strand, the complement: BRIP1 is on the minus strand). VCF-style: chr17-61861523-G-A. GRCh37 (hg19) VCF-style: chr17-59938884-G-A.
Other names: short protein forms S6F.
Identifiers: ClinVar variation 820101 (VCV000820101.15), dbSNP rs1603368484, ClinGen allele CA400486063.